The following is an entry in ClinVar:

ClinVar aggregate classification (germline): Conflicting classifications of pathogenicity. Review status: criteria provided, conflicting classifications (1 of 4 stars). 5 submissions from 5 submitters: Uncertain significance (4); Benign (1). Last evaluated 2026-04-10.

Conditions:
Cohen syndrome (COH1). Also called: PEPPER SYNDROME; Cutis verticis gyrata, retinitis pigmentosa, and sensorineural deafness. Identifiers: Orphanet 193, MedGen C0265223, MONDO:0008999, OMIM 216550.
VPS13B-related disorder. Also called: VPS13B-related condition.
Inborn genetic diseases. Identifiers: MedGen C0950123, MeSH D030342.

Allele frequency attached by ClinVar (database versions not stated): gnomAD 0.00001 and 0.00003; TOPMed 0.00003; gnomAD exomes 0.00006 and 0.00012; ESP Exome Variant Server 0.00008; ExAC 0.00016; 1000 Genomes Project 30x 0.00047; 1000 Genomes Project 0.00060.
gnomAD v4.1: 92 of 1,613,990 alleles (0.0057%); highest among the groups gnomAD compares: Middle Eastern, 0.066%; no homozygotes.

Submissions (5):

PreventionGenetics, part of Exact Sciences
Classification: Uncertain significance for VPS13B-related condition. Last evaluated: 2026-04-10. Review status: criteria provided, single submitter. Criteria: ACMG Guidelines, 2015. Collection method: clinical testing. Allele origin: germline.
Comment: The VPS13B c.8201G>A variant is predicted to result in the amino acid substitution p.Arg2734Gln. To our knowledge, this variant has not been reported in the literature. This variant is reported in 0.036% of alleles in individuals of South Asian descent in gnomAD. At this time, the clinical significance of this variant is uncertain due to the absence of conclusive functional and genetic evidence.

Labcorp Genetics (formerly Invitae), Labcorp
Classification: Benign for Cohen syndrome. Last evaluated: 2025-12-28. Review status: criteria provided, single submitter. Criteria: Invitae Variant Classification Sherloc (09022015). Collection method: clinical testing. Allele origin: germline.

Ambry Genetics
Classification: Uncertain significance for Inborn genetic diseases. Last evaluated: 2025-10-23. Review status: criteria provided, single submitter. Criteria: Ambry Variant Classification Scheme 2023. Collection method: clinical testing. Allele origin: germline.

Illumina Laboratory Services, Illumina
Classification: Uncertain significance for Cohen syndrome. Last evaluated: 2018-01-12. Review status: criteria provided, single submitter. Criteria: ICSL Variant Classification Criteria 13 December 2019. Collection method: clinical testing. Allele origin: germline.

Eurofins Ntd Llc (ga)
Classification: Uncertain significance. Last evaluated: 2016-03-29. Review status: criteria provided, single submitter. Criteria: EGL Classification Definitions 2015. Collection method: clinical testing. Allele origin: germline. Observed: 1 variant allele, 1 heterozygote.

NM_152564.5(VPS13B):c.8201G>A (p.Arg2734Gln)

Gene: VPS13B (vacuolar protein sorting 13 homolog B; plus strand). Cytogenetic location: 8q22.2.
Variant type: single nucleotide variant.
Coding change: c.8201G>A on transcript NM_152564.5 (MANE Select); coding-DNA position 8201, G replaced by A.
Protein change: p.Arg2734Gln; replaces arginine 2734 with glutamine.
Molecular consequence: missense variant.
Genome position (GRCh38, 1-based): chr8:99,817,643, G>A. VCF-style: chr8-99817643-G-A. GRCh37 (hg19) VCF-style: chr8-100829871-G-A.
Other names: c.8276G>A, p.Arg2759Gln (NM_017890.5); c.8201G>A (NM_152564.4); short protein forms R2734Q, R2759Q.
Identifiers: ClinVar variation 286967 (VCV000286967.22), dbSNP rs370701337, ClinGen allele CA4824407.
Genomic context (GRCh38, chr8:99,817,643, plus strand): 5'-AAAGCATAGAACTAAAAGTCGTTCAGCATTACATTGGTCAAGATGGACAAGCTGTAGTTC[G>A]GGAACATTTTGACTGCCTCACAGCCAAACAGAAATTGCCTTCGTACATACTAGAAAACAA-3'
Protein context (NP_689777.3, residues 2724-2744): YIGQDGQAVV[Arg2734Gln]EHFDCLTAKQ